The following is an entry in ClinVar:

ClinVar aggregate classification (germline): Uncertain significance (1 of 4 stars; one submission).

Conditions:
SCAPER-related disorder. Also called: SCAPER-related condition.

gnomAD v4.1: 2 of 1,597,138 alleles (0.00013%); highest among the groups gnomAD compares: Non-Finnish European, 0.00017%; no homozygotes.

Submission:

PreventionGenetics, part of Exact Sciences
Classification: Uncertain significance for SCAPER-related condition. Last evaluated: 2026-09-04. Review status: criteria provided, single submitter. Criteria: ACMG Guidelines, 2015. Collection method: clinical testing. Allele origin: germline.
Comment: The SCAPER c.2856+5G>A variant is predicted to interfere with splicing. To our knowledge, this variant has not been reported in the literature or in a large population database (gnomAD), indicating this variant is rare. At this time, the clinical significance of this variant is uncertain due to the absence of conclusive functional and genetic evidence.

NM_020843.4(SCAPER):c.2838+5G>A

Gene: SCAPER (S-phase cyclin A associated protein in the ER; minus strand). Cytogenetic location: 15q24.3.
Variant type: single nucleotide variant.
Coding change: c.2838+5G>A on transcript NM_020843.4 (MANE Select); 5 bases into the intron after coding-DNA position 2838, G replaced by A.
Molecular consequence: intron variant.
Genome position (GRCh38, 1-based): chr15:76,574,153, C>T on the plus strand (G>A on the coding strand, the complement: SCAPER is on the minus strand). VCF-style: chr15-76574153-C-T. GRCh37 (hg19) VCF-style: chr15-76866494-C-T.
Other names: c.2454+5G>A (NM_001353011.2); c.2436+5G>A (NM_001353012.2, NM_001353010.2); c.2856+5G>A (NM_001353009.2); c.2100+5G>A (NM_001145923.2).
Identifiers: ClinVar variation 4984264 (VCV004984264.1).
Genomic context (GRCh38, chr15:76,574,153, plus strand): 5'-TGTACTGTCATAGTGAGAAAGGATCACAAAGATTAAGGTTCAAAAGCCAGATATTAGTTA[C>T]ACACCTCTTTTTCCAGTATTCTAGTGATCTCTCCTAGGGTCCGATCCAAAGCAGACACTT-3'